The following is an entry in ClinVar:

ClinVar aggregate classification (germline): Uncertain significance. Review status: criteria provided, multiple submitters, no conflicts (2 of 4 stars). 3 submissions from 3 submitters: Uncertain significance (3). Last evaluated 2025-10-29.

Conditions:
Inborn genetic diseases. Identifiers: MedGen C0950123, MeSH D030342.

Allele frequency attached by ClinVar (database versions not stated): ExAC 0.00011; TOPMed 0.00012; gnomAD 0.00013; gnomAD exomes 0.00030; ESP Exome Variant Server 0.00031.
gnomAD v4.1: 450 of 1,611,408 alleles (0.028%); highest among the groups gnomAD compares: Non-Finnish European, 0.037%; 1 homozygote.

Submissions (3):

Ambry Genetics
Classification: Uncertain significance for Inborn genetic diseases. Last evaluated: 2025-10-29. Review status: criteria provided, single submitter. Criteria: Ambry Variant Classification Scheme 2023. Collection method: clinical testing. Allele origin: germline.

Blueprint Genetics
Classification: Uncertain significance. Last evaluated: 2022-10-14. Review status: criteria provided, single submitter. Criteria: ACMG Guidelines, 2015. Collection method: clinical testing. Allele origin: germline.

Labcorp Genetics (formerly Invitae), Labcorp
Classification: Uncertain significance. Last evaluated: 2022-08-05. Review status: criteria provided, single submitter. Criteria: Invitae Variant Classification Sherloc (09022015). Collection method: clinical testing. Allele origin: germline.
Comment: This sequence change replaces leucine, which is neutral and non-polar, with phenylalanine, which is neutral and non-polar, at codon 474 of the SGPL1 protein (p.Leu474Phe). This variant is present in population databases (rs151062610, gnomAD 0.02%). This variant has not been reported in the literature in individuals affected with SGPL1-related conditions. Algorithms developed to predict the effect of missense changes on protein structure and function output the following: SIFT: "Tolerated"; PolyPhen-2: "Benign"; Align-GVGD: "Class C0". The phenylalanine amino acid residue is found in multiple mammalian species, which suggests that this missense change does not adversely affect protein function. In summary, the available evidence is currently insufficient to determine the role of this variant in disease. Therefore, it has been classified as a Variant of Uncertain Significance.

NM_003901.4(SGPL1):c.1422G>C (p.Leu474Phe)

Gene: SGPL1 (sphingosine-1-phosphate lyase 1; plus strand). Cytogenetic location: 10q22.1.
Variant type: single nucleotide variant.
Coding change: c.1422G>C on transcript NM_003901.4 (MANE Select); coding-DNA position 1422, G replaced by C.
Protein change: p.Leu474Phe; replaces leucine 474 with phenylalanine.
Molecular consequence: missense variant.
Genome position (GRCh38, 1-based): chr10:70,875,525, G>C. VCF-style: chr10-70875525-G-C. GRCh37 (hg19) VCF-style: chr10-72635282-G-C.
Other names: c.1422G>C (NM_003901.3); short protein forms L474F.
Identifiers: ClinVar variation 2050530 (VCV002050530.5), dbSNP rs151062610, ClinGen allele CA5541461.